The following is an entry in ClinVar:

ClinVar aggregate classification (germline): Uncertain significance (1 of 4 stars; one submission).

Conditions:
Gastrointestinal stromal tumor. Also called: Gastrointestinal stromal tumor, somatic; Gastrointestinal stroma tumor. Identifiers: Orphanet 44890, MedGen C0238198, MeSH D046152, MONDO:0011719, OMIM 606764, HP:0100723.

Submission:

Labcorp Genetics (formerly Invitae), Labcorp
Classification: Uncertain significance for Gastrointestinal stromal tumor. Last evaluated: 2019-08-21. Review status: criteria provided, single submitter. Criteria: Invitae Variant Classification Sherloc (09022015). Collection method: clinical testing. Allele origin: germline.
Comment: Algorithms developed to predict the effect of missense changes on protein structure and function (SIFT, PolyPhen-2, Align-GVGD) all suggest that this variant is likely to be tolerated, but these predictions have not been confirmed by published functional studies and their clinical significance is uncertain. In summary, the available evidence is currently insufficient to determine the role of this variant in disease. Therefore, it has been classified as a Variant of Uncertain Significance. This sequence change replaces arginine with lysine at codon 743 of the KIT protein (p.Arg743Lys). The arginine residue is moderately conserved and there is a small physicochemical difference between arginine and lysine. This variant is not present in population databases (ExAC no frequency). This variant has not been reported in the literature in individuals with KIT-related conditions.

NM_000222.3(KIT):c.2228G>A (p.Arg743Lys)

Gene: KIT (KIT proto-oncogene, receptor tyrosine kinase; plus strand). Cytogenetic location: 4q12.
Variant type: single nucleotide variant.
Coding change: c.2228G>A on transcript NM_000222.3 (MANE Select); coding-DNA position 2228, G replaced by A.
Protein change: p.Arg743Lys; replaces arginine 743 with lysine.
Molecular consequence: missense variant.
Genome position (GRCh38, 1-based): chr4:54,731,414, G>A. VCF-style: chr4-54731414-G-A. GRCh37 (hg19) VCF-style: chr4-55597580-G-A.
Other names: c.2216G>A, p.Arg739Lys (NM_001093772.2, NM_001385292.1); c.2231G>A, p.Arg744Lys (NM_001385284.1); c.2225G>A, p.Arg742Lys (NM_001385285.1); c.2213G>A, p.Arg738Lys (NM_001385286.1); c.2219G>A, p.Arg740Lys (NM_001385288.1); c.2228G>A, p.Arg743Lys (NM_001385290.1); short protein forms R743K, R739K, R738K, R740K, R742K, R744K.
Identifiers: ClinVar variation 955769 (VCV000955769.10), dbSNP rs1722590234, ClinGen allele CA356910788.